The following is an entry in ClinVar:

NM_005032.7(PLS3):c.1092A>G (p.Lys364=)

Gene: PLS3 (plastin 3; plus strand). Cytogenetic location: Xq23.
Variant type: single nucleotide variant.
Coding change: c.1092A>G on transcript NM_005032.7 (MANE Select); coding-DNA position 1092, A replaced by G.
Protein change: p.Lys364=; no amino-acid change (lysine 364 retained).
Molecular consequence: synonymous variant.
Genome position (GRCh38, 1-based): chrX:115,643,417, A>G. VCF-style: chrX-115643417-A-G. GRCh37 (hg19) VCF-style: chrX-114877729-A-G.
Other names: c.1092A>G, p.Lys364= (NM_001136025.5); c.1011A>G, p.Lys337= (NM_001172335.3); c.1053A>G, p.Lys351= (NM_001282337.2); c.957A>G, p.Lys319= (NM_001282338.2); c.1092A>G (NM_005032.6).
Identifiers: ClinVar variation 3695970 (VCV003695970.3).

ClinVar aggregate classification (germline): Likely benign. Review status: criteria provided, multiple submitters, no conflicts (2 of 4 stars). 2 submissions from 2 submitters: Likely benign (2). Last evaluated 2026-05-15.

Conditions:
PLS3-related disorder. Also called: PLS3-related condition.

gnomAD v4.1: 1 of 1,200,445 alleles (0.000083%); highest among the groups gnomAD compares: Admixed American, 0.0022%; no homozygotes.

Submissions (2):

PreventionGenetics, part of Exact Sciences
Classification: Likely benign for PLS3-related condition. Last evaluated: 2026-05-15. Review status: criteria provided, single submitter. Criteria: ACMG Guidelines, 2015. Collection method: clinical testing. Allele origin: germline.
Comment: This variant is classified as likely benign based on ACMG/AMP sequence variant interpretation guidelines (Richards et al. 2015 PMID: 25741868, with internal and published modifications).

Labcorp Genetics (formerly Invitae), Labcorp
Classification: Likely benign. Last evaluated: 2024-04-14. Review status: criteria provided, single submitter. Criteria: Invitae Variant Classification Sherloc (09022015). Collection method: clinical testing. Allele origin: germline.